The following is an entry in ClinVar:

NM_006531.5(IFT88):c.1412G>A (p.Ser471Asn)

Gene: IFT88 (intraflagellar transport 88; plus strand). Cytogenetic location: 13q12.11.
Variant type: single nucleotide variant.
Coding change: c.1412G>A on transcript NM_006531.5 (MANE Select); coding-DNA position 1412, G replaced by A.
Protein change: p.Ser471Asn; replaces serine 471 with asparagine.
Molecular consequence: missense variant. On other transcripts: non-coding transcript variant (4).
Genome position (GRCh38, 1-based): chr13:20,638,357, G>A. VCF-style: chr13-20638357-G-A. GRCh37 (hg19) VCF-style: chr13-21212496-G-A.
Other names: c.1355G>A, p.Ser452Asn (NM_001318491.2, NM_001353575.2); c.1439G>A, p.Ser480Asn (NM_001318493.2, NM_001353565.2, NM_001353566.2 and 2 more transcripts); c.1412G>A, p.Ser471Asn (NM_001353568.2, NM_001353572.2); c.1337G>A, p.Ser446Asn (NM_001353569.2, NM_001353570.2, NM_001353576.2 and 1 more transcripts); c.1310G>A, p.Ser437Asn (NM_001353571.2, NM_001353578.2); c.1268G>A, p.Ser423Asn (NM_001353573.2); c.1253G>A, p.Ser418Asn (NM_001353574.2); c.779G>A, p.Ser260Asn (NM_001353579.2); short protein forms S260N, S423N, S446N, S452N, S471N, S480N, S418N, S437N.
Identifiers: ClinVar variation 1948110 (VCV001948110.5), dbSNP rs777117502, ClinGen allele CA6905414.

ClinVar aggregate classification (germline): Uncertain significance (1 of 4 stars; one submission).

Allele frequency attached by ClinVar (database versions not stated): ExAC 0.00001.
gnomAD v4.1: 12 of 1,404,940 alleles (0.00085%); highest among the groups gnomAD compares: Non-Finnish European, 0.0011%; no homozygotes.

Submission:

Labcorp Genetics (formerly Invitae), Labcorp
Classification: Uncertain significance. Last evaluated: 2022-09-13. Review status: criteria provided, single submitter. Criteria: Invitae Variant Classification Sherloc (09022015). Collection method: clinical testing. Allele origin: germline.
Comment: In summary, the available evidence is currently insufficient to determine the role of this variant in disease. Therefore, it has been classified as a Variant of Uncertain Significance. Algorithms developed to predict the effect of missense changes on protein structure and function output the following: SIFT: "Not Available"; PolyPhen-2: "Benign"; Align-GVGD: "Not Available". The asparagine amino acid residue is found in multiple mammalian species, which suggests that this missense change does not adversely affect protein function. This variant has not been reported in the literature in individuals affected with IFT88-related conditions. This variant is present in population databases (rs777117502, gnomAD 0.001%). This sequence change replaces serine, which is neutral and polar, with asparagine, which is neutral and polar, at codon 480 of the IFT88 protein (p.Ser480Asn).